The following is an entry in ClinVar:

NR_001566.3(TERC):n.313C>T

Genes: TERC (telomerase RNA component; minus strand), LOC110806306 (telomerase RNA component (TERC) promoter; plus strand). Cytogenetic location: 3q26.2.
Variant type: single nucleotide variant.
Molecular consequence: non-coding transcript variant (on NR_001566.3).
Genome position: GRCh38 VCF-style: chr3-169764748-G-A. GRCh37 (hg19) VCF-style: chr3-169482536-G-A.
Identifiers: ClinVar variation 4540950 (VCV004540950.2).

ClinVar aggregate classification (germline): Uncertain significance. Review status: criteria provided, multiple submitters, no conflicts (2 of 4 stars). 2 submissions from 2 submitters: Uncertain significance (2). Last evaluated 2025-11-05.

Conditions:
Dyskeratosis congenita, autosomal dominant 1 (DKCA1). Also called: Dyskeratosis congenita Scoggins type. Identifiers: Orphanet 1775, MedGen C4551974, MONDO:0007485, OMIM 127550. Inheritance: Variable.

Submissions (2):

Labcorp Genetics (formerly Invitae), Labcorp
Classification: Uncertain significance for Dyskeratosis congenita, autosomal dominant 1. Last evaluated: 2025-11-05. Review status: criteria provided, single submitter. Criteria: Invitae Variant Classification Sherloc (09022015). Collection method: clinical testing. Allele origin: germline.
Comment: This variant occurs in the TERC gene, which encodes an RNA molecule that does not result in a protein product. This variant is not present in population databases (gnomAD no frequency). This variant has not been reported in the literature in individuals affected with TERC-related conditions. Experimental studies and prediction algorithms are not available or were not evaluated, and the functional significance of this variant is currently unknown. In summary, the available evidence is currently insufficient to determine the role of this variant in disease. Therefore, it has been classified as a Variant of Uncertain Significance.

Mayo Clinic Laboratories, Mayo Clinic
Classification: Uncertain significance. Last evaluated: 2025-10-23. Review status: criteria provided, single submitter. Criteria: ACMG Guidelines, 2015. Collection method: clinical testing. Allele origin: germline. Observed: 1 variant allele.
Comment: PM2_supporting